The following is an entry in ClinVar:

NM_032888.4(COL27A1):c.4672C>T (p.Gln1558Ter)

Gene: COL27A1 (collagen type XXVII alpha 1 chain; plus strand). Cytogenetic location: 9q32.
Variant type: single nucleotide variant.
Coding change: c.4672C>T on transcript NM_032888.4 (MANE Select); coding-DNA position 4672, C replaced by T.
Protein change: p.Gln1558Ter; replaces glutamine 1558 with a stop codon.
Molecular consequence: nonsense.
Genome position (GRCh38, 1-based): chr9:114,300,658, C>T. VCF-style: chr9-114300658-C-T. GRCh37 (hg19) VCF-style: chr9-117062938-C-T.
Other names: short protein forms Q1558*.
Identifiers: ClinVar variation 2059085 (VCV002059085.4), dbSNP rs2490350737, ClinGen allele CA374592493.
Genomic context (GRCh38, chr9:114,300,658, plus strand): 5'-AGACAGCCCTTTCTCTGCCTCCCACAGGGCCCGCCTGGAGACATTGGCTTCAAAGGCATC[C>T]AGGGCCCTCGGGGGCCACCTGGCTTGATGGTGAGTTCCCTCCCTGCTGTCGGAGCAGAGA-3'

ClinVar aggregate classification (germline): Pathogenic (1 of 4 stars; one submission).

Submission:

Labcorp Genetics (formerly Invitae), Labcorp
Classification: Pathogenic. Last evaluated: 2021-12-24. Review status: criteria provided, single submitter. Criteria: Invitae Variant Classification Sherloc (09022015). Collection method: clinical testing. Allele origin: germline.
Comment: This sequence change creates a premature translational stop signal (p.Gln1558*) in the COL27A1 gene. It is expected to result in an absent or disrupted protein product. Loss-of-function variants in COL27A1 are known to be pathogenic (PMID: 24986830, 28276056). This variant is not present in population databases (gnomAD no frequency). This variant has not been reported in the literature in individuals affected with COL27A1-related conditions. For these reasons, this variant has been classified as Pathogenic.

Literature cited by the submitters: PubMed 24986830; PubMed 28276056.